The following is an entry in ClinVar:

ClinVar aggregate classification (germline): Pathogenic (1 of 4 stars; one submission).

Submission:

Labcorp Genetics (formerly Invitae), Labcorp
Classification: Pathogenic. Last evaluated: 2022-11-10. Review status: criteria provided, single submitter. Criteria: Invitae Variant Classification Sherloc (09022015). Collection method: clinical testing. Allele origin: germline.
Comment: This sequence change creates a premature translational stop signal (p.Pro1279Trpfs*79) in the ABCC6 gene. It is expected to result in an absent or disrupted protein product. Loss-of-function variants in ABCC6 are known to be pathogenic (PMID: 11536079, 17617515). This variant is not present in population databases (gnomAD no frequency). This variant has not been reported in the literature in individuals affected with ABCC6-related conditions. For these reasons, this variant has been classified as Pathogenic.

Literature cited by the submitters: PubMed 11536079; PubMed 17617515.

NM_001171.6(ABCC6):c.3835_3838del (p.Pro1279fs)

Gene: ABCC6 (ATP binding cassette subfamily C member 6; minus strand). Cytogenetic location: 16p13.11.
Variant type: Deletion.
Coding change: c.3835_3838del on transcript NM_001171.6 (MANE Select); coding-DNA positions 3835 to 3838, 4 bases deleted (CCGC; older notation c.3835_3838delCCGC).
Protein change: p.Pro1279fs; shifts the reading frame from proline 1279.
Molecular consequence: frameshift variant. On other transcripts: non-coding transcript variant (1).
Genome position (GRCh38, 1-based): chr16:16,157,707-16,157,710, GCGG deleted on the plus strand (CCGC on the coding strand, the reverse complement: ABCC6 is on the minus strand); deleting any 4 consecutive bases within chr16:16,157,707-16,157,711 gives the same sequence; the c. name uses the placement nearest the transcript's 3' end. VCF-style (leftmost placement, unchanged base first): chr16-16157706-AGCGG-A. GRCh37 (hg19) VCF-style: chr16-16251563-AGCGG-A.
Other names: c.3493_3496del, p.Pro1165fs (NM_001351800.1); short protein forms P1165fs, P1279fs.
Identifiers: ClinVar variation 2813430 (VCV002813430.3), dbSNP rs2510955454, ClinGen allele CA2739266631.